The following is an entry in ClinVar:

ClinVar aggregate classification (germline): Likely pathogenic (1 of 4 stars; one submission).

Conditions:
Bifunctional peroxisomal enzyme deficiency (DBIF). Also called: DBP DEFICIENCY; PBFE DEFICIENCY; D-bifunctional protein deficiency. Identifiers: Orphanet 300, MedGen C0342870, MONDO:0009855, OMIM 261515. Disease mechanism: loss of function.

Submission:

Myriad Genetics, Inc.
Classification: Likely pathogenic for Bifunctional peroxisomal enzyme deficiency. Last evaluated: 2022-03-30. Review status: criteria provided, single submitter. Criteria: Myriad Autosomal Dominant, Autosomal Recessive and X-Linked Classification Criteria (2023). Collection method: clinical testing. Allele origin: unknown.
Comment: NM_000414.3(HSD17B4):c.1231_1232delTT(L411Rfs*4) is expected to be pathogenic in the context of HSD17B4-related disorders. This variant is predicted to lead to an abnormal or absent protein product due to the creation of a premature termination codon in HSD17B4, a gene where loss-of-function variants are known to be pathogenic. Please note: this variant was assessed in the context of healthy population screening.

NM_000414.4(HSD17B4):c.1231_1232del (p.Leu411fs)

Gene: HSD17B4 (hydroxysteroid 17-beta dehydrogenase 4; plus strand). Cytogenetic location: 5q23.1.
Variant type: Deletion.
Coding change: c.1231_1232del on transcript NM_000414.4 (MANE Select); coding-DNA positions 1231 to 1232, 2 bases deleted (TT; older notation c.1231_1232delTT).
Protein change: p.Leu411fs; shifts the reading frame from leucine 411.
Molecular consequence: frameshift variant. On other transcripts: non-coding transcript variant (2).
Genome position (GRCh38, 1-based): chr5:119,502,062-119,502,063, TT deleted. VCF-style (leftmost placement, unchanged base first): chr5-119502061-CTT-C. GRCh37 (hg19) VCF-style: chr5-118837756-CTT-C.
Other names: c.1306_1307del, p.Leu436fs (NM_001199291.3); c.1177_1178del, p.Leu393fs (NM_001199292.2); c.1159_1160del, p.Leu387fs (NM_001292027.2); c.811_812del, p.Leu271fs (NM_001292028.2); c.1222_1223del, p.Leu408fs (NM_001374497.1); c.1231_1232del, p.Leu411fs (NM_001374498.1); c.904_905del, p.Leu302fs (NM_001374499.1); c.790_791del, p.Leu264fs (NM_001374500.1); and 1 more; short protein forms L264fs, L271fs, L274fs, L302fs, L387fs, L393fs, L408fs, L411fs.
Identifiers: ClinVar variation 1725564 (VCV001725564.3), dbSNP rs2531759953, ClinGen allele CA2580072454.